The following is an entry in ClinVar:

ClinVar aggregate classification (germline): Uncertain significance (1 of 4 stars; one submission).

gnomAD v4.1: 1 of 1,593,380 alleles (0.000063%); highest among the groups gnomAD compares: Non-Finnish European, 0.000086%; no homozygotes.

Submission:

Labcorp Genetics (formerly Invitae), Labcorp
Classification: Uncertain significance. Last evaluated: 2025-01-23. Review status: criteria provided, single submitter. Criteria: Invitae Variant Classification Sherloc (09022015). Collection method: clinical testing. Allele origin: germline.
Comment: This sequence change replaces glutamic acid, which is acidic and polar, with glycine, which is neutral and non-polar, at codon 470 of the SLC7A13 protein (p.Glu470Gly). This variant is not present in population databases (gnomAD no frequency). This variant has not been reported in the literature in individuals affected with SLC7A13-related conditions. An algorithm developed to predict the effect of missense changes on protein structure and function (PolyPhen-2) suggests that this variant is likely to be disruptive. In summary, the available evidence is currently insufficient to determine the role of this variant in disease. Therefore, it has been classified as a Variant of Uncertain Significance.

NM_138817.3(SLC7A13):c.1409A>G (p.Glu470Gly)

Gene: SLC7A13 (solute carrier family 7 member 13; minus strand). Cytogenetic location: 8q21.3.
Variant type: single nucleotide variant.
Coding change: c.1409A>G on transcript NM_138817.3 (MANE Select); coding-DNA position 1409, A replaced by G.
Protein change: p.Glu470Gly; replaces glutamic acid 470 with glycine.
Molecular consequence: missense variant.
Genome position (GRCh38, 1-based): chr8:86,214,417, T>C on the plus strand (A>G on the coding strand, the complement: SLC7A13 is on the minus strand). VCF-style: chr8-86214417-T-C. GRCh37 (hg19) VCF-style: chr8-87226646-T-C.
Other names: short protein forms E470G.
Identifiers: ClinVar variation 3664183 (VCV003664183.2).
Genomic context (GRCh38, chr8:86,214,417, plus strand): 5'-AATCTGATATATGTTTTTTAGAAGGCCAATTTTTTAAGAGTTTGCACTTCCGACATCTAT[T>C]CCTCAGACACATCAGGGAGGCAAATATTAAATAGTAATTGTAAATAGCAAGTCATCTTCT-3'
Protein context (NP_620172.2, residues 460-470): FNICLPDVSE[Glu470Gly]